The following is an entry in ClinVar:

ClinVar aggregate classification (germline): Uncertain significance (1 of 4 stars; one submission).

Allele frequency attached by ClinVar (database versions not stated): gnomAD 0.00003; TOPMed 0.00003.
gnomAD v4.1: 19 of 1,536,640 alleles (0.0012%); highest among the groups gnomAD compares: Non-Finnish European, 0.0017%; no homozygotes.

Submission:

Labcorp Genetics (formerly Invitae), Labcorp
Classification: Uncertain significance. Last evaluated: 2022-10-05. Review status: criteria provided, single submitter. Criteria: Invitae Variant Classification Sherloc (09022015). Collection method: clinical testing. Allele origin: germline.
Comment: Experimental studies and prediction algorithms are not available or were not evaluated, and the functional significance of this variant is currently unknown. In summary, the available evidence is currently insufficient to determine the role of this variant in disease. Therefore, it has been classified as a Variant of Uncertain Significance. This variant has not been reported in the literature in individuals affected with FMN1-related conditions. The FMN1 gene has multiple clinically relevant transcripts. This variant occurs in alternate transcript NM_001277314.1, and corresponds to NM_001103184.3:c.-85983G>A in the primary transcript. This sequence change replaces glycine, which is neutral and non-polar, with serine, which is neutral and polar, at codon 350 of the FMN1 protein (p.Gly350Ser). The frequency data for this variant in the population databases is considered unreliable, as metrics indicate poor data quality at this position in the gnomAD database.

NM_001277313.2(FMN1):c.1048G>A (p.Gly350Ser)

Gene: FMN1 (formin 1; minus strand). Cytogenetic location: 15q13.3.
Variant type: single nucleotide variant.
Coding change: c.1048G>A on transcript NM_001277313.2 (MANE Select); coding-DNA position 1048, G replaced by A.
Protein change: p.Gly350Ser; replaces glycine 350 with serine.
Molecular consequence: missense variant.
Genome position (GRCh38, 1-based): chr15:33,153,867, C>T on the plus strand (G>A on the coding strand, the complement: FMN1 is on the minus strand). VCF-style: chr15-33153867-C-T. GRCh37 (hg19) VCF-style: chr15-33446068-C-T.
Other names: c.1048G>A, p.Gly350Ser (NM_001277314.2); short protein forms G350S.
Identifiers: ClinVar variation 1959623 (VCV001959623.5), dbSNP rs1321525250, ClinGen allele CA391909352.